The following is an entry in ClinVar:

NM_133433.4(NIPBL):c.3060_3063del (p.Glu1021fs)

Gene: NIPBL (NIPBL cohesin loading factor; plus strand). Cytogenetic location: 5p13.2.
Variant type: Microsatellite.
Coding change: c.3060_3063del on transcript NM_133433.4 (MANE Select); coding-DNA positions 3060 to 3063, 4 bases deleted (AGAG; older notation c.3060_3063delAGAG).
Protein change: p.Glu1021fs; shifts the reading frame from glutamic acid 1021.
Molecular consequence: frameshift variant.
Genome position (GRCh38, 1-based): chr5:36,986,240-36,986,243, AGAG deleted; deleting any 4 consecutive bases within chr5:36,986,238-36,986,243 gives the same sequence; the c. name uses the placement nearest the transcript's 3' end. VCF-style (leftmost placement, unchanged base first): chr5-36986237-TAGAG-T. GRCh37 (hg19) VCF-style: chr5-36986339-TAGAG-T.
Other names: c.3058_3061delAGAG (NM_133433.3); c.3060_3063del, p.Glu1021fs (NM_015384.5); short protein forms E1021fs.
Identifiers: ClinVar variation 159070 (VCV000159070.24), dbSNP rs587783914, ClinGen allele CA272039.

ClinVar aggregate classification (germline): Pathogenic. Review status: criteria provided, multiple submitters, no conflicts (2 of 4 stars). 8 submissions from 8 submitters: Pathogenic (8). Last evaluated 2025-02-16.

Conditions:
NIPBL-related disorder. Also called: NIPBL-related condition.
Cornelia de Lange syndrome 1 (CDLS1). Also called: Brachmann de Lange syndrome; NIPBL-Related Cornelia de Lange Syndrome; TYPUS DEGENERATIVUS AMSTELODAMENSIS. Identifiers: Orphanet 199, MedGen C4551851, MONDO:0007387, OMIM 122470.

Submissions (8):

Laboratory of Genetics, Children's Clinical University Hospital Latvia
Classification: Pathogenic. Last evaluated: 2025-02-16. Review status: criteria provided, single submitter. Criteria: ACMG Guidelines, 2015. Collection method: clinical testing. Allele origin: germline. Affected: yes.

GeneDx
Classification: Pathogenic. Last evaluated: 2024-08-23. Review status: criteria provided, single submitter. Criteria: GeneDx Variant Classification Process June 2021. Collection method: clinical testing. Allele origin: germline. Affected: yes.
Comment: Frameshift variant predicted to result in protein truncation or nonsense mediated decay in a gene for which loss-of-function is a known mechanism of disease; Not observed at significant frequency in large population cohorts (gnomAD); This variant is associated with the following publications: (PMID: 16236812, 33057194, 23254390, 24038889, 35982159, 37377026, 15318302)

Genomic Medicine Center of Excellence, King Faisal Specialist Hospital and Research Centre
Classification: Pathogenic for Cornelia de Lange syndrome 1. Last evaluated: 2023-05-08. Review status: criteria provided, single submitter. Criteria: ACMG Guidelines, 2015. Collection method: research. Allele origin: germline. Affected: yes.

Labcorp Genetics (formerly Invitae), Labcorp
Classification: Pathogenic for Cornelia de Lange syndrome 1. Last evaluated: 2023-03-08. Review status: criteria provided, single submitter. Criteria: Invitae Variant Classification Sherloc (09022015). Collection method: clinical testing. Allele origin: germline.
Comment: This premature translational stop signal has been observed in individual(s) with Cornelia de Lange syndrome (PMID: 15318302, 16236812, 23254390, 24038889). In at least one individual the variant was observed to be de novo. This variant is not present in population databases (gnomAD no frequency). This sequence change creates a premature translational stop signal (p.Glu1021Thrfs*22) in the NIPBL gene. It is expected to result in an absent or disrupted protein product. Loss-of-function variants in NIPBL are known to be pathogenic (PMID: 15318302, 19763162, 23505322, 29995837). ClinVar contains an entry for this variant (Variation ID: 159070). For these reasons, this variant has been classified as Pathogenic.

Blueprint Genetics
Classification: Pathogenic for NIPBL-related disorders. Last evaluated: 2022-11-09. Review status: criteria provided, single submitter. Criteria: ACMG Guidelines, 2015. Collection method: clinical testing. Allele origin: germline. Affected: yes. Observed: 1 variant allele.

Genome-Nilou Lab
Classification: Pathogenic for Cornelia de Lange syndrome 1. Last evaluated: 2021-07-15. Review status: criteria provided, single submitter. Criteria: ACMG Guidelines, 2015. Collection method: clinical testing. Allele origin: germline. Affected: no.

Equipe Genetique des Anomalies du Developpement, Université de Bourgogne
Classification: Pathogenic for Cornelia de Lange syndrome 1. Last evaluated: 2020-07-22. Review status: criteria provided, single submitter. Criteria: ACMG Guidelines, 2015. Collection method: clinical testing. Allele origin: de novo. Affected: yes.

Genetic Services Laboratory, University of Chicago
Classification: Pathogenic for Cornelia de Lange syndrome 1. Last evaluated: 2013-02-08. Review status: criteria provided, single submitter. Criteria: ACMG Guidelines, 2007. Collection method: clinical testing. Allele origin: germline. Inheritance: Autosomal dominant inheritance. Affected: yes.

Literature cited by the submitters: PubMed 15318302 (cited by Labcorp Genetics (formerly Invitae), Labcorp); PubMed 16236812 (cited by Labcorp Genetics (formerly Invitae), Labcorp); PubMed 23254390 (cited by Labcorp Genetics (formerly Invitae), Labcorp); PubMed 24038889 (cited by Labcorp Genetics (formerly Invitae), Labcorp); PubMed 19763162 (cited by Labcorp Genetics (formerly Invitae), Labcorp); PubMed 23505322 (cited by Labcorp Genetics (formerly Invitae), Labcorp); PubMed 29995837 (cited by Labcorp Genetics (formerly Invitae), Labcorp).